The following is an entry in ClinVar:

NM_002894.3(RBBP8):c.1520A>G (p.Gln507Arg)

Gene: RBBP8 (RB binding protein 8, endonuclease; plus strand). Cytogenetic location: 18q11.2.
Variant type: single nucleotide variant.
Coding change: c.1520A>G on transcript NM_002894.3 (MANE Select); coding-DNA position 1520, A replaced by G.
Protein change: p.Gln507Arg; replaces glutamine 507 with arginine.
Molecular consequence: missense variant.
Genome position (GRCh38, 1-based): chr18:22,993,347, A>G. VCF-style: chr18-22993347-A-G. GRCh37 (hg19) VCF-style: chr18-20573310-A-G.
Other names: c.1520A>G, p.Gln507Arg (NM_203291.2, NM_203292.2); short protein forms Q507R.
Identifiers: ClinVar variation 2723280 (VCV002723280.3), dbSNP rs901794189, ClinGen allele CA297051182.
Genomic context (GRCh38, chr18:22,993,347, plus strand): 5'-TGGATAAACCTCTGGATCTGTCTGATCGATTTTCAGCTATTCAGCGTCAAGAGAAAAGCC[A>G]AGGAAGTGAGACTTCTAAAAACAAATTTAGGCAAGTGACTCTTTATGAGGCTTTGAAGAC-3'
Protein context (NP_002885.1, residues 497-517): FSAIQRQEKS[Gln507Arg]GSETSKNKFR

ClinVar aggregate classification (germline): Uncertain significance (1 of 4 stars; one submission).

Allele frequency attached by ClinVar (database versions not stated): gnomAD 0.00001; gnomAD exomes 0.00002; TOPMed 0.00003.
gnomAD v4.1: 42 of 1,614,144 alleles (0.0026%); highest among the groups gnomAD compares: Non-Finnish European, 0.0031%; no homozygotes.

Submission:

Labcorp Genetics (formerly Invitae), Labcorp
Classification: Uncertain significance. Last evaluated: 2023-10-05. Review status: criteria provided, single submitter. Criteria: Invitae Variant Classification Sherloc (09022015). Collection method: clinical testing. Allele origin: germline.
Comment: This sequence change replaces glutamine, which is neutral and polar, with arginine, which is basic and polar, at codon 507 of the RBBP8 protein (p.Gln507Arg). This variant is present in population databases (no rsID available, gnomAD 0.0008%). This variant has not been reported in the literature in individuals affected with RBBP8-related conditions. Advanced modeling of protein sequence and biophysical properties (such as structural, functional, and spatial information, amino acid conservation, physicochemical variation, residue mobility, and thermodynamic stability) performed at Invitae indicates that this missense variant is not expected to disrupt RBBP8 protein function. In summary, the available evidence is currently insufficient to determine the role of this variant in disease. Therefore, it has been classified as a Variant of Uncertain Significance.